The following is an entry in ClinVar:

ClinVar aggregate classification (germline): Pathogenic (1 of 4 stars; one submission).

Conditions:
Neonatal-onset encephalopathy with rigidity and seizures. Also called: Lethal neonatal spasticity-epileptic encephalopathy syndrome. Identifiers: Orphanet 435845, MedGen C3281029, MONDO:0013784, OMIM 614498.

Submission:

Labcorp Genetics (formerly Invitae), Labcorp
Classification: Pathogenic for Neonatal-onset encephalopathy with rigidity and seizures. Last evaluated: 2023-03-02. Review status: criteria provided, single submitter. Criteria: Invitae Variant Classification Sherloc (09022015). Collection method: clinical testing. Allele origin: germline.
Comment: This sequence change creates a premature translational stop signal (p.Leu375Cysfs*21) in the BRAT1 gene. It is expected to result in an absent or disrupted protein product. Loss-of-function variants in BRAT1 are known to be pathogenic (PMID: 22279524, 25500575). This variant is not present in population databases (gnomAD no frequency). This variant has not been reported in the literature in individuals affected with BRAT1-related conditions. For these reasons, this variant has been classified as Pathogenic.

Literature cited by the submitters: PubMed 22279524; PubMed 25500575.

NM_152743.4(BRAT1):c.1123del (p.Leu375fs)

Gene: BRAT1 (BRCA1 associated ATM activator 1; minus strand). Cytogenetic location: 7p22.3.
Variant type: Deletion.
Coding change: c.1123del on transcript NM_152743.4 (MANE Select); coding-DNA position 1123, one base deleted (C; older notation c.1123delC).
Protein change: p.Leu375fs; shifts the reading frame from leucine 375.
Molecular consequence: frameshift variant. On other transcripts: non-coding transcript variant (1).
Genome position (GRCh38, 1-based): chr7:2,541,729, G deleted on the plus strand (C on the coding strand, the reverse complement: BRAT1 is on the minus strand). VCF-style (leftmost placement, unchanged base first): chr7-2541728-AG-A. GRCh37 (hg19) VCF-style: chr7-2581362-AG-A.
Other names: c.1123del, p.Leu375fs (NM_001350626.2); c.598del, p.Leu200fs (NM_001350627.2); short protein forms L200fs, L375fs.
Identifiers: ClinVar variation 2842322 (VCV002842322.3), dbSNP rs2534352979, ClinGen allele CA2739266225.